The following is an entry in ClinVar:

ClinVar aggregate classification (germline): Likely benign (0 of 4 stars; one submission).

Conditions:
MC3R-related disorder. Also called: MC3R-related condition.

gnomAD v4.1: 2 of 1,614,046 alleles (0.00012%); highest among the groups gnomAD compares: Non-Finnish European, 0.00017%; no homozygotes.

Submission:

PreventionGenetics, part of Exact Sciences
Classification: Likely benign for MC3R-related condition. Last evaluated: 2024-06-26. Review status: no assertion criteria provided. Collection method: clinical testing. Allele origin: germline.
Comment: This variant is classified as likely benign based on ACMG/AMP sequence variant interpretation guidelines (Richards et al. 2015 PMID: 25741868, with internal and published modifications).

NM_019888.3(MC3R):c.906G>A (p.Arg302=)

Gene: MC3R (melanocortin 3 receptor; plus strand). Cytogenetic location: 20q13.2.
Variant type: single nucleotide variant.
Coding change: c.906G>A on transcript NM_019888.3 (MANE Select); coding-DNA position 906, G replaced by A.
Protein change: p.Arg302=; no amino-acid change (arginine 302 retained).
Molecular consequence: synonymous variant.
Genome position (GRCh38, 1-based): chr20:56,249,749, G>A. VCF-style: chr20-56249749-G-A. GRCh37 (hg19) VCF-style: chr20-54824805-G-A.
Identifiers: ClinVar variation 3358662 (VCV003358662.1).